The following is an entry in ClinVar:

NM_004924.6(ACTN4):c.506T>G (p.Leu169Arg)

Gene: ACTN4 (actinin alpha 4; plus strand). Cytogenetic location: 19q13.2.
Variant type: single nucleotide variant.
Coding change: c.506T>G on transcript NM_004924.6 (MANE Select); coding-DNA position 506, T replaced by G.
Protein change: p.Leu169Arg; replaces leucine 169 with arginine.
Molecular consequence: missense variant.
Genome position (GRCh38, 1-based): chr19:38,706,065, T>G. VCF-style: chr19-38706065-T-G. GRCh37 (hg19) VCF-style: chr19-39196705-T-G.
Other names: c.506T>G, p.Leu169Arg (NM_001322033.2, NM_001411143.1); short protein forms L169R.
Identifiers: ClinVar variation 3061635 (VCV003061635.2), dbSNP rs2515200704, ClinGen allele CA405690953.
Genomic context (GRCh38, chr19:38,706,065, plus strand): 5'-TTTTTGAGCCAGTGCTCACTGTCTTTGTGTGTTTTGCAGAGACCTCGGCCAAGGAAGGGC[T>G]CCTTCTCTGGTGCCAGAGAAAGACAGCCCCGTATAAGAACGTCAATGTGCAGAACTTCCA-3'
Protein context (NP_004915.2, residues 159-179): SVEETSAKEG[Leu169Arg]LLWCQRKTAP

ClinVar aggregate classification (germline): Likely pathogenic (0 of 4 stars; one submission).

Conditions:
ACTN4-related disorder. Also called: ACTN4-related condition.

Submission:

PreventionGenetics, part of Exact Sciences
Classification: Likely pathogenic for ACTN4-related condition. Last evaluated: 2023-12-29. Review status: no assertion criteria provided. Collection method: clinical testing. Allele origin: germline.
Comment: The ACTN4 c.506T>G variant is predicted to result in the amino acid substitution p.Leu169Arg. To our knowledge, this variant has not been reported in the literature or in a large population database, indicating this variant is rare. At this time, the clinical significance of this variant is uncertain due to the absence of conclusive functional and genetic evidence.